The following is an entry in ClinVar:

ClinVar aggregate classification (germline): Likely benign. Review status: criteria provided, multiple submitters, no conflicts (2 of 4 stars). 2 submissions from 2 submitters: Likely benign (2). Last evaluated 2025-12-01.

Conditions:
Inborn genetic diseases. Identifiers: MedGen C0950123, MeSH D030342.

Allele frequency attached by ClinVar (database versions not stated): ExAC 0.00003; gnomAD exomes 0.00007; gnomAD 0.00010; ESP Exome Variant Server 0.00023; TOPMed 0.00023.
gnomAD v4.1: 122 of 1,613,362 alleles (0.0076%); highest among the groups gnomAD compares: Non-Finnish European, 0.0089%; no homozygotes.

Submissions (2):

CeGaT Center for Human Genetics Tuebingen
Classification: Likely benign. Last evaluated: 2025-12-01. Review status: criteria provided, single submitter. Criteria: CeGaT Center For Human Genetics Tuebingen Variant Classification Criteria Version 2. Collection method: clinical testing. Allele origin: germline. Affected: yes. Observed: 2 variant alleles.
Comment: DPYD: BP4, BP7

Ambry Genetics
Classification: Likely benign for Inborn genetic diseases. Last evaluated: 2023-05-01. Review status: criteria provided, single submitter. Criteria: Ambry Variant Classification Scheme 2023. Collection method: clinical testing. Allele origin: germline.

NM_000110.4(DPYD):c.1140T>C (p.Ala380=)

Gene: DPYD (dihydropyrimidine dehydrogenase; minus strand). Cytogenetic location: 1p21.3.
Variant type: single nucleotide variant.
Coding change: c.1140T>C on transcript NM_000110.4 (MANE Select); coding-DNA position 1140, T replaced by C.
Protein change: p.Ala380=; no amino-acid change (alanine 380 retained).
Molecular consequence: synonymous variant.
Genome position (GRCh38, 1-based): chr1:97,573,959, A>G on the plus strand (T>C on the coding strand, the complement: DPYD is on the minus strand). VCF-style: chr1-97573959-A-G. GRCh37 (hg19) VCF-style: chr1-98039515-A-G.
Identifiers: ClinVar variation 2561298 (VCV002561298.16), dbSNP rs150759598, ClinGen allele CA963421.